The following is an entry in ClinVar:

NC_000005.10:g.112849794A>G

Variant type: single nucleotide variant.
Genome position: GRCh38 VCF-style: chr5-112849794-A-G. GRCh37 (hg19) VCF-style: chr5-112185491-A-G.
Identifiers: ClinVar variation 83297 (VCV000083297.3), dbSNP rs497844, ClinGen allele CA250989.
Genomic context (GRCh38, chr5:112,849,794, plus strand): 5'-CATACTGTGAGACTGCAGTAAAGACTTAGATGCTACCCCTAAATGCTGGAATCCTCTGAC[A>G]CCATCGCCATAAAATAAGATTACATGTGGCACTCACTTCACGCTGCTTGCTTCTGAATTG-3'

ClinVar aggregate classification (germline): other (0 of 4 stars; one submission).

Conditions:
Familial colorectal cancer. Identifiers: MedGen CN280943, MONDO:0023113. Disease mechanism: loss of function.

Submission:

Systems Biology Platform Zhejiang California International NanoSystems Institute
Classification: other for Familial colorectal cancer. Review status: no assertion criteria provided. Collection method: not provided. Allele origin: unknown.
ClinVar note: Converted during submission from cancer to other.